The following is an entry in ClinVar:

ClinVar aggregate classification (germline): Benign/Likely benign. Review status: criteria provided, multiple submitters, no conflicts (2 of 4 stars). 4 submissions from 4 submitters: Benign (3); Likely benign (1). Last evaluated 2026-01-27.

Conditions:
Primary ciliary dyskinesia. Also called: Ciliary dyskinesia. Identifiers: Orphanet 244, MedGen C0008780, MONDO:0016575, HP:0012265.
Primary ciliary dyskinesia 10. Also called: CILIARY DYSKINESIA, PRIMARY, 10, WITH OR WITHOUT SITUS INVERSUS. Identifiers: Orphanet 244, MedGen C2675867, MONDO:0012918, OMIM 612518.

Allele frequency attached by ClinVar (database versions not stated): ESP Exome Variant Server 0.00015; gnomAD 0.00088 and 0.00115; gnomAD exomes 0.00096 and 0.00233; TOPMed 0.00117; ExAC 0.00221; 1000 Genomes Project 0.00479; 1000 Genomes Project 30x 0.00515.

Submissions (4):

Labcorp Genetics (formerly Invitae), Labcorp
Classification: Benign for Primary ciliary dyskinesia. Last evaluated: 2026-01-27. Review status: criteria provided, single submitter. Criteria: Invitae Variant Classification Sherloc (09022015). Collection method: clinical testing. Allele origin: germline.

Ambry Genetics
Classification: Benign for Primary ciliary dyskinesia. Last evaluated: 2021-01-11. Review status: criteria provided, single submitter. Criteria: Ambry Variant Classification Scheme 2023. Collection method: clinical testing. Allele origin: germline.

Illumina Laboratory Services, Illumina
Classification: Likely benign for Primary ciliary dyskinesia 10. Last evaluated: 2018-01-13. Review status: criteria provided, single submitter. Criteria: ICSL Variant Classification Criteria 13 December 2019. Collection method: clinical testing. Allele origin: germline.
Comment: This variant was observed in the ICSL laboratory as part of a predisposition screen in an ostensibly healthy population. It had not been previously curated by ICSL or reported in the Human Gene Mutation Database (HGMD: prior to June 1st, 2018), and was therefore a candidate for classification through an automated scoring system. Utilizing variant allele frequency, disease prevalence and penetrance estimates, and inheritance mode, an automated score was calculated to assess if this variant is too frequent to cause the disease. Based on the score and internal cut-off values, a variant classified as likely benign is not then subjected to further curation. The score for this variant resulted in a classification of likely benign for this disease.

PreventionGenetics, part of Exact Sciences
Classification: Benign. Review status: criteria provided, single submitter. Criteria: ACMG Guidelines, 2015. Collection method: clinical testing. Allele origin: germline.

NM_018139.3(DNAAF2):c.2176A>G (p.Thr726Ala)

Gene: DNAAF2 (dynein axonemal assembly factor 2; minus strand). Cytogenetic location: 14q21.3.
Variant type: single nucleotide variant.
Coding change: c.2176A>G on transcript NM_018139.3 (MANE Select); coding-DNA position 2176, A replaced by G.
Protein change: p.Thr726Ala; replaces threonine 726 with alanine.
Molecular consequence: missense variant. On other transcripts: 5 prime UTR variant (1).
Genome position (GRCh38, 1-based): chr14:49,625,880, T>C on the plus strand (A>G on the coding strand, the complement: DNAAF2 is on the minus strand). VCF-style: chr14-49625880-T-C. GRCh37 (hg19) VCF-style: chr14-50092598-T-C.
Other names: c.2032A>G, p.Thr678Ala (NM_001083908.2); c.-36A>G (NM_001378453.1); short protein forms T726A, T678A.
Identifiers: ClinVar variation 241282 (VCV000241282.18), dbSNP rs80237479, ClinGen allele CA7172746.